The following is an entry in ClinVar:

NM_000038.6(APC):c.2348C>T (p.Ala783Val)

Gene: APC (APC regulator of Wnt signaling pathway; plus strand). Cytogenetic location: 5q22.2.
Variant type: single nucleotide variant.
Coding change: c.2348C>T on transcript NM_000038.6 (MANE Select); coding-DNA position 2348, C replaced by T.
Protein change: p.Ala783Val; replaces alanine 783 with valine.
Molecular consequence: missense variant. On other transcripts: non-coding transcript variant (2).
Genome position (GRCh38, 1-based): chr5:112,837,942, C>T. VCF-style: chr5-112837942-C-T. GRCh37 (hg19) VCF-style: chr5-112173639-C-T.
Other names: c.2402C>T, p.Ala801Val (NM_001407448.1, NM_001407449.1, NM_001354896.2 and 1 more transcripts); c.2348C>T, p.Ala783Val (NM_001407450.1, NM_001127510.3, NM_001354895.2); c.2327C>T, p.Ala776Val (NM_001407451.1); c.2318C>T, p.Ala773Val (NM_001407452.1); c.2171C>T, p.Ala724Val (NM_001407453.1, NM_001354901.2); c.2099C>T, p.Ala700Val (NM_001407454.1, NM_001407455.1, NM_001407456.1 and 1 more transcripts); c.2348C>T (NM_000038.5); c.2294C>T, p.Ala765Val (NM_001127511.3); and 12 more; short protein forms A692V, A742V, A758V, A776V, A801V, A811V, A399V, A654V.
Identifiers: ClinVar variation 4716793 (VCV004716793.2).
Genomic context (GRCh38, chr5:112,837,942, plus strand): 5'-AATTAGATGCTCAGCACTTATCAGAAACTTTTGACAATATAGACAATTTAAGTCCCAAGG[C>T]ATCTCATCGTAGTAAGCAGAGACACAAGCAAAGTCTCTATGGTGATTATGTTTTTGACAC-3'
Protein context (NP_000029.2, residues 773-793): FDNIDNLSPK[Ala783Val]SHRSKQRHKQ

ClinVar aggregate classification (germline): Uncertain significance. Review status: criteria provided, multiple submitters, no conflicts (2 of 4 stars). 2 submissions from 2 submitters: Uncertain significance (2). Last evaluated 2026-03-06.

Conditions:
Hereditary cancer-predisposing syndrome. Also called: Neoplastic Syndromes, Hereditary; Tumor predisposition; Hereditary Cancer Syndrome; Hereditary neoplastic syndrome. Identifiers: Orphanet 140162, MedGen C0027672, MeSH D009386, MONDO:0015356.
Familial adenomatous polyposis 1 (FAP1). Also called: FAMILIAL ADENOMATOUS POLYPOSIS 1, ATTENUATED; POLYPOSIS, ADENOMATOUS INTESTINAL. Identifiers: MedGen C2713442, MONDO:0021056, OMIM 175100. Disease mechanism: loss of function.

gnomAD v4.1: 3 of 1,614,070 alleles (0.00019%); highest among the groups gnomAD compares: Non-Finnish European, 0.00025%; no homozygotes.

Submissions (2):

Ambry Genetics
Classification: Uncertain significance for Hereditary cancer-predisposing syndrome. Last evaluated: 2026-03-06. Review status: criteria provided, single submitter. Criteria: Ambry Variant Classification Scheme 2023. Collection method: clinical testing. Allele origin: germline.
Comment: The p.A783V variant (also known as c.2348C>T), located in coding exon 15 of the APC gene, results from a C to T substitution at nucleotide position 2348. The alanine at codon 783 is replaced by valine, an amino acid with similar properties. This amino acid position is conserved. In addition, in silico predictors for this gene do not accurately predict pathogenicity. Based on the available evidence, the clinical significance of this variant remains unclear.

Labcorp Genetics (formerly Invitae), Labcorp
Classification: Uncertain significance for Familial adenomatous polyposis 1. Last evaluated: 2025-06-01. Review status: criteria provided, single submitter. Criteria: Invitae Variant Classification Sherloc (09022015). Collection method: clinical testing. Allele origin: germline.
Comment: This sequence change replaces alanine, which is neutral and non-polar, with valine, which is neutral and non-polar, at codon 783 of the APC protein (p.Ala783Val). This variant is not present in population databases (gnomAD no frequency). This variant has not been reported in the literature in individuals affected with APC-related conditions. Invitae Evidence Modeling of protein sequence and biophysical properties (such as structural, functional, and spatial information, amino acid conservation, physicochemical variation, residue mobility, and thermodynamic stability) indicates that this missense variant is not expected to disrupt APC protein function with a negative predictive value of 95%. In summary, the available evidence is currently insufficient to determine the role of this variant in disease. Therefore, it has been classified as a Variant of Uncertain Significance.